The following is an entry in ClinVar:

ClinVar aggregate classification (germline): Uncertain significance (1 of 4 stars; one submission).

Conditions:
Epilepsy, familial adult myoclonic, 5 (EPEO5). Also called: CORTICAL MYOCLONIC TREMOR WITH EPILEPSY, FAMILIAL, 5. Identifiers: Orphanet 86814, MedGen C3809374, MONDO:0014167, OMIM 615400.

Allele frequency attached by ClinVar (database versions not stated): gnomAD exomes below 0.00001; TOPMed below 0.00001; gnomAD 0.00001.
gnomAD v4.1: 2 of 1,612,686 alleles (0.00012%); highest among the groups gnomAD compares: Non-Finnish European, 0.00017%; no homozygotes.

Submission:

Labcorp Genetics (formerly Invitae), Labcorp
Classification: Uncertain significance for Epilepsy, familial adult myoclonic, 5. Last evaluated: 2022-08-16. Review status: criteria provided, single submitter. Criteria: Invitae Variant Classification Sherloc (09022015). Collection method: clinical testing. Allele origin: germline.
Comment: Advanced modeling of protein sequence and biophysical properties (such as structural, functional, and spatial information, amino acid conservation, physicochemical variation, residue mobility, and thermodynamic stability) performed at Invitae indicates that this missense variant is not expected to disrupt CNTN2 protein function. ClinVar contains an entry for this variant (Variation ID: 1025026). This variant has not been reported in the literature in individuals affected with CNTN2-related conditions. In summary, the available evidence is currently insufficient to determine the role of this variant in disease. Therefore, it has been classified as a Variant of Uncertain Significance. This variant is not present in population databases (gnomAD no frequency). This sequence change replaces glutamic acid, which is acidic and polar, with glutamine, which is neutral and polar, at codon 707 of the CNTN2 protein (p.Glu707Gln).

NM_005076.5(CNTN2):c.2119G>C (p.Glu707Gln)

Gene: CNTN2 (contactin 2; plus strand). Cytogenetic location: 1q32.1.
Variant type: single nucleotide variant.
Coding change: c.2119G>C on transcript NM_005076.5 (MANE Select); coding-DNA position 2119, G replaced by C.
Protein change: p.Glu707Gln; replaces glutamic acid 707 with glutamine.
Molecular consequence: missense variant. On other transcripts: non-coding transcript variant (1).
Genome position (GRCh38, 1-based): chr1:205,067,244, G>C. VCF-style: chr1-205067244-G-C. GRCh37 (hg19) VCF-style: chr1-205036372-G-C.
Other names: c.2119G>C, p.Glu707Gln (NM_001346083.2); short protein forms E707Q.
Identifiers: ClinVar variation 1025026 (VCV001025026.8), dbSNP rs1654343660, ClinGen allele CA344377124.